The following is an entry in ClinVar:

ClinVar aggregate classification (germline): Pathogenic (1 of 4 stars; one submission).

Conditions:
Alpha-N-acetylgalactosaminidase deficiency type 1. Also called: NAGA DEFICIENCY, TYPE I; NEUROAXONAL DYSTROPHY, SCHINDLER TYPE; SCHINDLER DISEASE, TYPE I; ALPHA-N-ACETYLGALACTOSAMINIDASE DEFICIENCY, TYPE I. Identifiers: Orphanet 3137, Orphanet 79279, Orphanet 79281, MedGen C1836544, MONDO:0012221, OMIM 609241.

Submission:

Labcorp Genetics (formerly Invitae), Labcorp
Classification: Pathogenic for Alpha-N-acetylgalactosaminidase deficiency type 1. Last evaluated: 2023-01-17. Review status: criteria provided, single submitter. Criteria: Invitae Variant Classification Sherloc (09022015). Collection method: clinical testing. Allele origin: germline.
Comment: This sequence change creates a premature translational stop signal (p.Trp222*) in the NAGA gene. It is expected to result in an absent or disrupted protein product. Loss-of-function variants in NAGA are known to be pathogenic (PMID: 8782044, 11251574). This variant is not present in population databases (gnomAD no frequency). For these reasons, this variant has been classified as Pathogenic. This variant has not been reported in the literature in individuals affected with NAGA-related conditions.

Literature cited by the submitters: PubMed 8782044; PubMed 11251574.

NM_000262.3(NAGA):c.666G>A (p.Trp222Ter)

Gene: NAGA (alpha-N-acetylgalactosaminidase; minus strand). Cytogenetic location: 22q13.2.
Variant type: single nucleotide variant.
Coding change: c.666G>A on transcript NM_000262.3 (MANE Select); coding-DNA position 666, G replaced by A.
Protein change: p.Trp222Ter; replaces tryptophan 222 with a stop codon.
Molecular consequence: nonsense.
Genome position (GRCh38, 1-based): chr22:42,065,831, C>T on the plus strand (G>A on the coding strand, the complement: NAGA is on the minus strand). VCF-style: chr22-42065831-C-T. GRCh37 (hg19) VCF-style: chr22-42461835-C-T.
Other names: c.666G>A, p.Trp222Ter (NM_001362848.1, NM_001362850.1); short protein forms W222*.
Identifiers: ClinVar variation 2829443 (VCV002829443.3), dbSNP rs1381519494, ClinGen allele CA411768263.
Genomic context (GRCh38, chr22:42,065,831, plus strand): 5'-CACTGGCTGCAGTATGTCCTGGTGCTCCACGAACCAATTCAGGATGGAGAGCACGCTCCA[C>T]CAGGAGTCCTGGATGTCATCATAGTTACGCCAGAGGTTGCAGATGTCCGCCAGCAGACTG-3'